The following is an entry in ClinVar:

ClinVar aggregate classification (germline): Likely benign. Review status: criteria provided, multiple submitters, no conflicts (2 of 4 stars). 2 submissions from 2 submitters: Likely benign (2). Last evaluated 2025-09-25.

Conditions:
SERAC1-related disorder. Also called: SERAC1-related condition; SERAC1-related disorders.

gnomAD v4.1: 63 of 152,174 alleles (0.041%); highest among the groups gnomAD compares: Non-Finnish European, 0.085%; no homozygotes.

Submissions (2):

PreventionGenetics, part of Exact Sciences
Classification: Likely benign for SERAC1-related condition. Last evaluated: 2025-09-25. Review status: criteria provided, single submitter. Criteria: ACMG Guidelines, 2015. Collection method: clinical testing. Allele origin: germline.
Comment: This variant is classified as likely benign based on ACMG/AMP sequence variant interpretation guidelines (Richards et al. 2015 PMID: 25741868, with internal and published modifications).

Blueprint Genetics
Classification: Likely benign. Last evaluated: 2024-07-04. Review status: criteria provided, single submitter. Criteria: ACMG Guidelines, 2015. Collection method: clinical testing. Allele origin: germline.

NM_032861.4(SERAC1):c.92-244G>A

Gene: SERAC1 (serine active site containing 1; minus strand). Cytogenetic location: 6q25.3.
Variant type: single nucleotide variant.
Coding change: c.92-244G>A on transcript NM_032861.4 (MANE Select); 244 bases into the intron before coding-DNA position 92, G replaced by A.
Molecular consequence: intron variant.
Genome position (GRCh38, 1-based): chr6:158,155,595, C>T on the plus strand (G>A on the coding strand, the complement: SERAC1 is on the minus strand). VCF-style: chr6-158155595-C-T. GRCh37 (hg19) VCF-style: chr6-158576627-C-T.
Other names: c.92-244G>A (NM_032861.3).
Identifiers: ClinVar variation 4894735 (VCV004894735.2).
Genomic context (GRCh38, chr6:158,155,595, plus strand): 5'-ACAAGTACTAAGTGCAAATATAATGTATATTGATGACATTTCATACCTCCCCTTTCTCCA[C>T]CTCCTAGTCCCTGTTCCACTACTGATGCTAGTAGGACTACAATGCTTCCACCAAATGCAA-3'